The following is an entry in ClinVar:

Conditions:
Long QT syndrome 5 (LQT5). Identifiers: Orphanet 101016, Orphanet 768, MedGen C1867904, MONDO:0013372, OMIM 613695.

Submission:

Roden Lab, Vanderbilt University Medical Center
No classification provided (evidence only). Condition: Long QT syndrome 5. Review status: no classification provided. Collection method: in vitro. Allele origin: not applicable. Functional consequence: Effect on ion channel function.
ClinVar note: "not provided" was previously submitted as the classification for the variant. However, the classification appeared to be based only on an observation of functional data so it was converted to no classification on 2025-07-30.

NM_000219.6(KCNE1):c.80T>G (p.Met27Arg)

Gene: KCNE1 (potassium voltage-gated channel subfamily E regulatory subunit 1; minus strand). Cytogenetic location: 21q22.12.
Variant type: single nucleotide variant.
Coding change: c.80T>G on transcript NM_000219.6 (MANE Select); coding-DNA position 80, T replaced by G.
Protein change: p.Met27Arg; replaces methionine 27 with arginine.
Molecular consequence: missense variant.
Genome position (GRCh38, 1-based): chr21:34,449,555, A>C on the plus strand (T>G on the coding strand, the complement: KCNE1 is on the minus strand). VCF-style: chr21-34449555-A-C. GRCh37 (hg19) VCF-style: chr21-35821853-A-C.
Other names: c.80T>G, p.Met27Arg (NM_001127668.4, NM_001127669.4, NM_001127670.4 and 4 more transcripts); short protein forms M27R.
Identifiers: ClinVar variation 3373993 (VCV003373993.2).
Genomic context (GRCh38, chr21:34,449,555, plus strand): 5'-ACGTAGAGGGCCTCCAGCTTGCCGTCACTGCTGCGGGGGGACCTGCGGGCCAGGCCCGAC[A>C]TGTTGCCACCCTGCTGAACTGTCTCCTGCCACAGCTTGGTCAGAAAGGGCGTCACCGCTG-3'
Protein context (NP_000210.2, residues 17-37): WQETVQQGGN[Met27Arg]SGLARRSPRS